The following is an entry in ClinVar:

NM_001001557.4(GDF6):c.95C>T (p.Ser32Leu)

Gene: GDF6 (growth differentiation factor 6; minus strand). Cytogenetic location: 8q22.1.
Variant type: single nucleotide variant.
Coding change: c.95C>T on transcript NM_001001557.4 (MANE Select); coding-DNA position 95, C replaced by T.
Protein change: p.Ser32Leu; replaces serine 32 with leucine.
Molecular consequence: missense variant.
Genome position (GRCh38, 1-based): chr8:96,160,598, G>A on the plus strand (C>T on the coding strand, the complement: GDF6 is on the minus strand). VCF-style: chr8-96160598-G-A. GRCh37 (hg19) VCF-style: chr8-97172826-G-A.
Other names: short protein forms S32L.
Identifiers: ClinVar variation 4788297 (VCV004788297.1).
Genomic context (GRCh38, chr8:96,160,598, plus strand): 5'-TGCATCTTGCCTTCCTTGCGGCTTCGCATGCCCTTGGTGGAACCCAGCTCGGCGGACGAC[G>A]AGGAGGATGAGATGGAAGCCTGCTGGAAACCGGGCAAATCCCACAGAAAACTGATGAGGA-3'
Protein context (NP_001001557.1, residues 22-42): GFQQASISSS[Ser32Leu]SSAELGSTKG

ClinVar aggregate classification (germline): Uncertain significance (1 of 4 stars; one submission).

Conditions:
Klippel-Feil syndrome 1, autosomal dominant (KFS1). Also called: CERVICAL VERTEBRAL FUSION, AUTOSOMAL DOMINANT. Identifiers: Orphanet 2345, MedGen C1861689, MONDO:0007306, OMIM 118100.
Isolated microphthalmia 4. Identifiers: Orphanet 2542, MedGen C2751307, MONDO:0013130, OMIM 613094.
Microphthalmia, isolated, with coloboma 6 (MCOPCB6). Also called: Microphthalmia with coloboma 6, digenic; Microphthalmia with coloboma 6; MICROPHTHALMIA/COLOBOMA 6. Identifiers: Orphanet 98938, MedGen C3150968, MONDO:0013376, OMIM 613703.
Leber congenital amaurosis 17 (LCA17). Identifiers: Orphanet 65, MedGen C3715164, MONDO:0014145, OMIM 615360.

gnomAD v4.1: 9 of 1,613,696 alleles (0.00056%); highest among the groups gnomAD compares: East Asian, 0.018%; no homozygotes.

Submission:

Labcorp Genetics (formerly Invitae), Labcorp
Classification: Uncertain significance for Isolated microphthalmia 4; Leber congenital amaurosis 17; Klippel-Feil syndrome 1, autosomal dominant; Microphthalmia, isolated, with coloboma 6. Last evaluated: 2025-04-04. Review status: criteria provided, single submitter. Criteria: Invitae Variant Classification Sherloc (09022015). Collection method: clinical testing. Allele origin: germline.
Comment: This sequence change replaces serine, which is neutral and polar, with leucine, which is neutral and non-polar, at codon 32 of the GDF6 protein (p.Ser32Leu). This variant is present in population databases (rs527612795, gnomAD 0.02%). This variant has not been reported in the literature in individuals affected with GDF6-related conditions. An algorithm developed to predict the effect of missense changes on protein structure and function outputs the following: PolyPhen-2: "Possibly Damaging". The leucine amino acid residue is found in multiple mammalian species, which suggests that this missense change does not adversely affect protein function. In summary, the available evidence is currently insufficient to determine the role of this variant in disease. Therefore, it has been classified as a Variant of Uncertain Significance.